The following is an entry in ClinVar:

ClinVar aggregate classification (germline): Uncertain significance (1 of 4 stars; one submission).

Conditions:
Familial adenomatous polyposis 1 (FAP1). Also called: POLYPOSIS, ADENOMATOUS INTESTINAL; FAMILIAL ADENOMATOUS POLYPOSIS 1, ATTENUATED. Identifiers: MedGen C2713442, MONDO:0021056, OMIM 175100. Disease mechanism: loss of function.

gnomAD v4.1: 1 of 1,613,908 alleles (0.000062%); highest among the groups gnomAD compares: Non-Finnish European, 0.000085%; no homozygotes.

Submission:

Labcorp Genetics (formerly Invitae), Labcorp
Classification: Uncertain significance for Familial adenomatous polyposis 1. Last evaluated: 2022-09-23. Review status: criteria provided, single submitter. Criteria: Invitae Variant Classification Sherloc (09022015). Collection method: clinical testing. Allele origin: germline.
Comment: This sequence change replaces arginine, which is basic and polar, with proline, which is neutral and non-polar, at codon 402 of the APC protein (p.Arg402Pro). This variant is not present in population databases (gnomAD no frequency). This variant has not been reported in the literature in individuals affected with APC-related conditions. ClinVar contains an entry for this variant (Variation ID: 1381932). Advanced modeling of protein sequence and biophysical properties (such as structural, functional, and spatial information, amino acid conservation, physicochemical variation, residue mobility, and thermodynamic stability) performed at Invitae indicates that this missense variant is not expected to disrupt APC protein function. In summary, the available evidence is currently insufficient to determine the role of this variant in disease. Therefore, it has been classified as a Variant of Uncertain Significance.

NM_000038.6(APC):c.1205G>C (p.Arg402Pro)

Gene: APC (APC regulator of Wnt signaling pathway; plus strand). Cytogenetic location: 5q22.2.
Variant type: single nucleotide variant.
Coding change: c.1205G>C on transcript NM_000038.6 (MANE Select); coding-DNA position 1205, G replaced by C.
Protein change: p.Arg402Pro; replaces arginine 402 with proline.
Molecular consequence: missense variant. On other transcripts: intron variant (4).
Genome position (GRCh38, 1-based): chr5:112,819,237, G>C. VCF-style: chr5-112819237-G-C. GRCh37 (hg19) VCF-style: chr5-112154934-G-C.
Other names: c.1205G>C, p.Arg402Pro (NM_001127510.3, NM_001354895.2, NM_001354896.2); c.1151G>C, p.Arg384Pro (NM_001127511.3); c.1235G>C, p.Arg412Pro (NM_001354897.2); c.1130G>C, p.Arg377Pro (NM_001354898.2); c.1121G>C, p.Arg374Pro (NM_001354899.2); c.1028G>C, p.Arg343Pro (NM_001354900.2, NM_001354901.2); c.356G>C, p.Arg119Pro (NM_001354906.2); c.964-32G>C (NM_001354902.2); and 3 more; short protein forms R343P, R374P, R384P, R402P, R412P, R119P, R377P.
Identifiers: ClinVar variation 1381932 (VCV001381932.6), dbSNP rs878853416, ClinGen allele CA16023942.
Genomic context (GRCh38, chr5:112,819,237, plus strand): 5'-GGGCCAGTGCAGCACTCCACAACATCATTCACTCACAGCCTGATGACAAGAGAGGCAGGC[G>C]TGAAATCCGAGTCCTTCATCTTTTGGAACAGATACGCGCTTACTGTGAAACCTGTTGGGA-3'
Protein context (NP_000029.2, residues 392-412): HSQPDDKRGR[Arg402Pro]EIRVLHLLEQ